The following is an entry in ClinVar:

NM_031935.3(HMCN1):c.8965T>C (p.Ser2989Pro)

Gene: HMCN1 (hemicentin 1; plus strand). Cytogenetic location: 1q31.1.
Variant type: single nucleotide variant.
Coding change: c.8965T>C on transcript NM_031935.3 (MANE Select); coding-DNA position 8965, T replaced by C.
Protein change: p.Ser2989Pro; replaces serine 2989 with proline.
Molecular consequence: missense variant.
Genome position (GRCh38, 1-based): chr1:186,086,326, T>C. VCF-style: chr1-186086326-T-C. GRCh37 (hg19) VCF-style: chr1-186055458-T-C.
Other names: short protein forms S2989P.
Identifiers: ClinVar variation 1414653 (VCV001414653.6), dbSNP rs764586326, ClinGen allele CA1293276.

ClinVar aggregate classification (germline): Uncertain significance (1 of 4 stars; one submission).

Allele frequency attached by ClinVar (database versions not stated): gnomAD exomes 0.00001 and 0.00002; ExAC 0.00002.
gnomAD v4.1: 14 of 1,613,262 alleles (0.00087%); highest among the groups gnomAD compares: South Asian, 0.014%; no homozygotes.

Submission:

Labcorp Genetics (formerly Invitae), Labcorp
Classification: Uncertain significance. Last evaluated: 2023-11-27. Review status: criteria provided, single submitter. Criteria: Invitae Variant Classification Sherloc (09022015). Collection method: clinical testing. Allele origin: germline.
Comment: This sequence change replaces serine, which is neutral and polar, with proline, which is neutral and non-polar, at codon 2989 of the HMCN1 protein (p.Ser2989Pro). This variant is present in population databases (rs764586326, gnomAD 0.02%). This variant has not been reported in the literature in individuals affected with HMCN1-related conditions. ClinVar contains an entry for this variant (Variation ID: 1414653). An algorithm developed to predict the effect of missense changes on protein structure and function (PolyPhen-2) suggests that this variant is likely to be disruptive. In summary, the available evidence is currently insufficient to determine the role of this variant in disease. Therefore, it has been classified as a Variant of Uncertain Significance.